The following is an entry in ClinVar:

ClinVar aggregate classification (germline): Uncertain significance (1 of 4 stars; one submission).

Submission:

Labcorp Genetics (formerly Invitae), Labcorp
Classification: Uncertain significance. Last evaluated: 2022-08-12. Review status: criteria provided, single submitter. Criteria: Invitae Variant Classification Sherloc (09022015). Collection method: clinical testing. Allele origin: germline.
Comment: This sequence change replaces arginine, which is basic and polar, with leucine, which is neutral and non-polar, at codon 44 of the KATNB1 protein (p.Arg44Leu). This variant is present in population databases (no rsID available, gnomAD 0.003%). This variant has not been reported in the literature in individuals affected with KATNB1-related conditions. Algorithms developed to predict the effect of missense changes on protein structure and function are either unavailable or do not agree on the potential impact of this missense change (SIFT: "Deleterious"; PolyPhen-2: "Possibly Damaging"; Align-GVGD: "Class C0"). In summary, the available evidence is currently insufficient to determine the role of this variant in disease. Therefore, it has been classified as a Variant of Uncertain Significance.

NM_005886.3(KATNB1):c.131G>T (p.Arg44Leu)

Gene: KATNB1 (katanin regulatory subunit B1; plus strand). Cytogenetic location: 16q21.
Variant type: single nucleotide variant.
Coding change: c.131G>T on transcript NM_005886.3 (MANE Select); coding-DNA position 131, G replaced by T.
Protein change: p.Arg44Leu; replaces arginine 44 with leucine.
Molecular consequence: missense variant.
Genome position (GRCh38, 1-based): chr16:57,741,777, G>T. VCF-style: chr16-57741777-G-T. GRCh37 (hg19) VCF-style: chr16-57775689-G-T.
Other names: short protein forms R44L.
Identifiers: ClinVar variation 1960586 (VCV001960586.2), dbSNP rs782015039, ClinGen allele CA396062569.
Genomic context (GRCh38, chr16:57,741,777, plus strand): 5'-CCTCACTGGTGCTGGGCAAAGCCTCCGGGCGGCTGCTGGCTACAGGCGGGGATGACTGCC[G>T]CGTCAACCTGTGGTCCATCAACAAGCCCAACTGCATCATGGTGAGCCCCGACAGCTGGCG-3'
Protein context (NP_005877.2, residues 34-54): RLLATGGDDC[Arg44Leu]VNLWSINKPN